The following is an entry in ClinVar:

ClinVar aggregate classification (germline): Likely pathogenic (1 of 4 stars; one submission).

Conditions:
Joubert syndrome. Also called: CEREBELLOPARENCHYMAL DISORDER IV; JOUBERT-BOLTSHAUSER SYNDROME; Familial aplasia of the vermis. Identifiers: Orphanet 475, MedGen C5979921, MONDO:0018772.

Submission:

Labcorp Genetics (formerly Invitae), Labcorp
Classification: Likely pathogenic for Joubert syndrome. Last evaluated: 2024-11-07. Review status: criteria provided, single submitter. Criteria: Invitae Variant Classification Sherloc (09022015). Collection method: clinical testing. Allele origin: germline.
Comment: This sequence change affects a donor splice site in intron 25 of the AHI1 gene. It is expected to disrupt RNA splicing. Variants that disrupt the donor or acceptor splice site typically lead to a loss of protein function (PMID: 16199547), and loss-of-function variants in AHI1 are known to be pathogenic (PMID: 15322546, 16453322, 28442542, 29186038). This variant is not present in population databases (gnomAD no frequency). This variant has not been reported in the literature in individuals affected with AHI1-related conditions. Algorithms developed to predict the effect of sequence changes on RNA splicing suggest that this variant may disrupt the consensus splice site. In summary, the currently available evidence indicates that the variant is pathogenic, but additional data are needed to prove that conclusively. Therefore, this variant has been classified as Likely Pathogenic.

Literature cited by the submitters: PubMed 16199547; PubMed 15322546; PubMed 16453322; PubMed 28442542; PubMed 29186038.

NM_001134831.2(AHI1):c.3426+1G>A

Gene: AHI1 (Abelson helper integration site 1; minus strand). Cytogenetic location: 6q23.3.
Variant type: single nucleotide variant.
Coding change: c.3426+1G>A on transcript NM_001134831.2 (MANE Select); the canonical splice donor site of the intron after coding-DNA position 3426, G replaced by A.
Molecular consequence: splice donor variant.
Genome position (GRCh38, 1-based): chr6:135,318,518, C>T on the plus strand (G>A on the coding strand, the complement: AHI1 is on the minus strand). VCF-style: chr6-135318518-C-T. GRCh37 (hg19) VCF-style: chr6-135639656-C-T.
Other names: c.3426+1G>A (NM_001134830.2, NM_001350503.2, NM_017651.5 and 1 more transcripts).
Identifiers: ClinVar variation 3701814 (VCV003701814.2).